The following is an entry in ClinVar:

NM_016222.4(DDX41):c.432C>T (p.Thr144=)

Gene: DDX41 (DEAD-box helicase 41; minus strand). Cytogenetic location: 5q35.3.
Variant type: single nucleotide variant.
Coding change: c.432C>T on transcript NM_016222.4 (MANE Select); coding-DNA position 432, C replaced by T.
Protein change: p.Thr144=; no amino-acid change (threonine 144 retained).
Molecular consequence: synonymous variant.
Genome position (GRCh38, 1-based): chr5:177,515,931, G>A on the plus strand (C>T on the coding strand, the complement: DDX41 is on the minus strand). VCF-style: chr5-177515931-G-A. GRCh37 (hg19) VCF-style: chr5-176942932-G-A.
Other names: NC_000005.9:g.176942932G>A; c.432C>T (NM_016222.3); c.54C>T, p.Thr18= (NM_001321732.2, NM_001321830.2).
Identifiers: ClinVar variation 3839030 (VCV003839030.3).

ClinVar aggregate classification (germline): Likely benign. Review status: criteria provided, multiple submitters, no conflicts (2 of 4 stars). 2 submissions from 2 submitters: Likely benign (2). Last evaluated 2026-06-12.

Conditions:
DDX41-related disorder. Also called: DDX41-related condition.
Inborn genetic diseases. Identifiers: MedGen C0950123, MeSH D030342.

gnomAD v4.1: 7 of 1,614,196 alleles (0.00043%); highest among the groups gnomAD compares: Non-Finnish European, 0.00059%; no homozygotes.

Submissions (3):

PreventionGenetics, part of Exact Sciences
Classification: Likely benign for DDX41-related condition. Last evaluated: 2026-06-12. Review status: criteria provided, single submitter. Criteria: ACMG Guidelines, 2015. Collection method: clinical testing. Allele origin: germline.
Comment: This variant is classified as likely benign based on ACMG/AMP sequence variant interpretation guidelines (Richards et al. 2015 PMID: 25741868, with internal and published modifications).

Ambry Genetics
Classification: Likely benign for Inborn genetic diseases. Last evaluated: 2025-02-08. Review status: criteria provided, single submitter. Criteria: Ambry Variant Classification Scheme 2023. Collection method: clinical testing. Allele origin: germline.

Dr. Peter K. Rogan Lab, Western University
No classification provided (evidence only). Condition: Ovarian serous cystadenocarcinoma. Review status: no classification provided. Collection method: in vitro. Allele origin: not applicable. Functional consequence: retained intron. Not counted in ClinVar's aggregate classification.